The following is an entry in ClinVar:

NM_199420.4(POLQ):c.7463T>A (p.Ile2488Asn)

Gene: POLQ (DNA polymerase theta; minus strand). Cytogenetic location: 3q13.33.
Variant type: single nucleotide variant.
Coding change: c.7463T>A on transcript NM_199420.4 (MANE Select); coding-DNA position 7463, T replaced by A.
Protein change: p.Ile2488Asn; replaces isoleucine 2488 with asparagine.
Molecular consequence: missense variant.
Genome position (GRCh38, 1-based): chr3:121,436,202, A>T on the plus strand (T>A on the coding strand, the complement: POLQ is on the minus strand). VCF-style: chr3-121436202-A-T. GRCh37 (hg19) VCF-style: chr3-121155049-A-T.
Other names: short protein forms I2488N.
Identifiers: ClinVar variation 1759030 (VCV001759030.2), dbSNP rs2047542936, ClinGen allele CA354095942.

ClinVar aggregate classification (germline): Uncertain significance (1 of 4 stars; one submission).

Allele frequency attached by ClinVar (database versions not stated): gnomAD exomes below 0.00001; TOPMed below 0.00001.
gnomAD v4.1: 1 of 1,613,778 alleles (0.000062%); highest among the groups gnomAD compares: Non-Finnish European, 0.000085%; no homozygotes.

Submission:

Ambry Genetics
Classification: Uncertain significance. Last evaluated: 2022-08-08. Review status: criteria provided, single submitter. Criteria: Ambry Variant Classification Scheme 2023. Collection method: clinical testing. Allele origin: germline.
Comment: The p.I2488N variant (also known as c.7463T>A), located in coding exon 28 of the POLQ gene, results from a T to A substitution at nucleotide position 7463. The isoleucine at codon 2488 is replaced by asparagine, an amino acid with dissimilar properties. This amino acid position is conserved. In addition, this alteration is predicted to be deleterious by in silico analysis. Since supporting evidence is limited at this time, the clinical significance of this alteration remains unclear.